The following is an entry in ClinVar:

NM_002242.4(KCNJ13):c.358A>G (p.Ile120Val)

Genes: GIGYF2 (GRB10 interacting GYF protein 2; plus strand), KCNJ13 (potassium inwardly rectifying channel subfamily J member 13; minus strand). Cytogenetic location: 2q37.1.
Variant type: single nucleotide variant.
Coding change: c.358A>G on transcript NM_002242.4 (MANE Select); coding-DNA position 358, A replaced by G.
Protein change: p.Ile120Val; replaces isoleucine 120 with valine.
Molecular consequence: missense variant. On other transcripts: intron variant (5).
Genome position (GRCh38, 1-based): chr2:232,771,005, T>C on the plus strand (A>G on the coding strand, the complement: KCNJ13 is on the minus strand). VCF-style: chr2-232771005-T-C. GRCh37 (hg19) VCF-style: chr2-233635715-T-C.
Other names: c.118A>G, p.Ile40Val (NM_001172417.1); c.532+9569T>C (NM_001103146.3, NM_015575.4, NM_001103148.2); c.533-5407T>C (NM_001103147.2); c.224+134A>G (NM_001172416.1); short protein forms I120V, I40V.
Identifiers: ClinVar variation 1411818 (VCV001411818.9), dbSNP rs946261593, ClinGen allele CA66989288.

ClinVar aggregate classification (germline): Uncertain significance. Review status: criteria provided, multiple submitters, no conflicts (2 of 4 stars). 2 submissions from 2 submitters: Uncertain significance (2). Last evaluated 2022-11-01.

Allele frequency attached by ClinVar (database versions not stated): gnomAD 0.00001; TOPMed 0.00001.
gnomAD v4.1: 1 of 1,613,890 alleles (0.000062%); highest among the groups gnomAD compares: African/African-American, 0.0013%; no homozygotes.

Submissions (2):

Ambry Genetics
Classification: Uncertain significance. Last evaluated: 2022-11-01. Review status: criteria provided, single submitter. Criteria: Ambry Variant Classification Scheme 2023. Collection method: clinical testing. Allele origin: germline.

Labcorp Genetics (formerly Invitae), Labcorp
Classification: Uncertain significance. Last evaluated: 2022-06-13. Review status: criteria provided, single submitter. Criteria: Invitae Variant Classification Sherloc (09022015). Collection method: clinical testing. Allele origin: germline.
Comment: In summary, the available evidence is currently insufficient to determine the role of this variant in disease. Therefore, it has been classified as a Variant of Uncertain Significance. Algorithms developed to predict the effect of missense changes on protein structure and function are either unavailable or do not agree on the potential impact of this missense change (SIFT: "Deleterious"; PolyPhen-2: "Probably Damaging"; Align-GVGD: "Class C15"). This variant has not been reported in the literature in individuals affected with KCNJ13-related conditions. This variant is present in population databases (no rsID available, gnomAD 0.01%). This sequence change replaces isoleucine, which is neutral and non-polar, with valine, which is neutral and non-polar, at codon 120 of the KCNJ13 protein (p.Ile120Val).